The following is an entry in ClinVar:

ClinVar aggregate classification (germline): Likely benign (0 of 4 stars; one submission).

Conditions:
DNAH7-related disorder. Also called: DNAH7-related condition.

Allele frequency attached by ClinVar (database versions not stated): gnomAD exomes 0.00013; ExAC 0.00034; ESP Exome Variant Server 0.00083; gnomAD 0.00096; TOPMed 0.00109; 1000 Genomes Project 0.00140; 1000 Genomes Project 30x 0.00187.
gnomAD v4.1: 349 of 1,613,528 alleles (0.022%); highest among the groups gnomAD compares: African/African-American, 0.34%; no homozygotes.

Submission:

PreventionGenetics, part of Exact Sciences
Classification: Likely benign for DNAH7-related condition. Last evaluated: 2022-11-11. Review status: no assertion criteria provided. Collection method: clinical testing. Allele origin: germline.
Comment: This variant is classified as likely benign based on ACMG/AMP sequence variant interpretation guidelines (Richards et al. 2015 PMID: 25741868, with internal and published modifications).

NM_018897.3(DNAH7):c.11871G>A (p.Met3957Ile)

Gene: DNAH7 (dynein axonemal heavy chain 7; minus strand). Cytogenetic location: 2q32.3.
Variant type: single nucleotide variant.
Coding change: c.11871G>A on transcript NM_018897.3 (MANE Select); coding-DNA position 11871, G replaced by A.
Protein change: p.Met3957Ile; replaces methionine 3957 with isoleucine.
Molecular consequence: missense variant.
Genome position (GRCh38, 1-based): chr2:195,738,125, C>T on the plus strand (G>A on the coding strand, the complement: DNAH7 is on the minus strand). VCF-style: chr2-195738125-C-T. GRCh37 (hg19) VCF-style: chr2-196602849-C-T.
Other names: short protein forms M3957I.
Identifiers: ClinVar variation 3049162 (VCV003049162.2), dbSNP rs116269254, ClinGen allele CA2033606.